The following is an entry in ClinVar:

ClinVar aggregate classification (germline): Uncertain significance. Review status: reviewed by expert panel (3 of 4 stars). 7 submissions from 7 submitters: Uncertain significance (1). 6 of the submissions do not count toward it. Last evaluated 2021-03-22.

Conditions:
Cardiovascular phenotype. Identifiers: MedGen CN230736.
Hypertrophic cardiomyopathy 1 (CMH1). Also called: MYH7-Related Familial Hypertrophic Cardiomyopathy; Familial hypertrophic cardiomyopathy 1. Identifiers: MedGen C3495498, MONDO:0008647, OMIM 192600.
Hypertrophic cardiomyopathy. Also called: HYPERTROPHIC MYOCARDIOPATHY. Identifiers: Orphanet 217569, MedGen C0007194, MeSH D002312, MONDO:0005045, HP:0001639.

Submissions (7):

ClinGen Cardiomyopathy Variant Curation Expert Panel
Classification: Uncertain significance for Hypertrophic cardiomyopathy. Last evaluated: 2021-03-22. Review status: reviewed by expert panel. Criteria: ClinGen CMP ACMG Specifications v1. Collection method: curation. Allele origin: germline. Inheritance: Autosomal dominant inheritance.
Comment: The c.2652_2654delGAA (p.Lys884del) variant in MYH7, also reported as c.2649_2651GAA[1], has been identified in 7 individuals with HCM (PS4_Moderate; Ambry pers comm; GeneDx pers. comm.; Invitae pers. comm.; LMM pers. comm.) and segregated with disease in 1 affected relative with HCM (Invitae pers. comm.). However, this data is currently insufficient to establish co-segregation with disease and apply PP1. This variant was absent from large population studies (PM2;, v.2.1.1). This variant is a deletion of 1 amino acid at position 884 and is not predicted to alter the protein reading-frame. Given that only 1 amino acid has been deleted, the expert panel felt that adjusting to supporting evidence would be more appropriate in this case (PM4_Supporting). In summary, this variant is classified as uncertain significance for hypertrophic cardiomyopathy in an autosomal dominant manner. MYH7-specific ACMG/AMP criteria applied (Kelly 2018 PMID:29300372): PS4_Moderate; PM2; PM4_Supporting.

Labcorp Genetics (formerly Invitae), Labcorp
Classification: Uncertain significance for Hypertrophic cardiomyopathy. Last evaluated: 2025-10-17. Review status: criteria provided, single submitter. Criteria: Invitae Variant Classification Sherloc (09022015). Collection method: clinical testing. Allele origin: germline. Not counted in ClinVar's aggregate classification.
Comment: This variant, c.2652_2654del, results in the deletion of 1 amino acid(s) of the MYH7 protein (p.Lys884del), but otherwise preserves the integrity of the reading frame. This variant is not present in population databases (gnomAD no frequency). This variant has been observed in individual(s) with hypertrophic cardiomyopathy (PMID: 36162733, 37652022; internal data). It has also been observed to segregate with disease in related individuals. Experimental studies and prediction algorithms are not available or were not evaluated, and the functional significance of this variant is currently unknown. In summary, the available evidence is currently insufficient to determine the role of this variant in disease. Therefore, it has been classified as a Variant of Uncertain Significance.

Department of Human Genetics, University Hospital Bern, Inselspital
Classification: Likely pathogenic for Hypertrophic cardiomyopathy 1. Last evaluated: 2025-06-10. Review status: criteria provided, single submitter. Criteria: ACMG Guidelines, 2015. Collection method: clinical testing. Allele origin: germline. Inheritance: Autosomal dominant inheritance. Affected: yes. Observed: 1 heterozygote. Not counted in ClinVar's aggregate classification.
Comment: This variant leads to a deletion of one amino acid in exon 22 (NM_000257.4). The variant is not present in the population database gnomAD v.2.1.1 and has been identified in our lab in at least 4 patients with cardiomyopathy.

Ambry Genetics
Classification: Likely pathogenic for Cardiovascular phenotype. Last evaluated: 2024-02-22. Review status: criteria provided, single submitter. Criteria: Ambry Variant Classification Scheme 2023. Collection method: clinical testing. Allele origin: germline. Not counted in ClinVar's aggregate classification.
Comment: The c.2652_2654delGAA variant (also known as p.K884del) is located in coding exon 20 of the MYH7 gene. This variant results from an in-frame GAA deletion at nucleotide positions 2652 to 2654. This results in the in-frame deletion of a lysine at codon 884. This alteration has been reported in association with hypertrophic cardiomyopathy (HCM) (Harper AR et al. Nat Genet, 2021 Feb;53:135-142; Stava TT et al. Eur J Prev Cardiol, 2022 Oct;29:1789-1799; Redin C et al. Eur J Med Genet, 2022 Dec;65:104627; Ambry internal data; external communication). This variant is considered to be rare based on population cohorts in the Genome Aggregation Database (gnomAD). This amino acid position is highly conserved in available vertebrate species. In addition, this alteration is predicted to be deleterious by in silico analysis (Choi Y et al. PLoS ONE. 2012; 7(10):e46688). Based on the majority of available evidence to date, this variant is likely to be pathogenic.

GeneDx
Classification: Uncertain significance. Last evaluated: 2020-02-24. Review status: criteria provided, single submitter. Criteria: GeneDx Variant Classification Process June 2021. Collection method: clinical testing. Allele origin: germline. Affected: yes. Not counted in ClinVar's aggregate classification.
Comment: Has not been previously published as pathogenic or benign to our knowledge; Reported in ClinVar as a variant of uncertain significance by three other clinical laboratories and as a likely pathogenic variant by another clinical laboratory (ClinVar Variant ID# 36637; Landrum et al., 2016); Not observed in large population cohorts (Lek et al., 2016); In silico analysis supports a deleterious effect on protein structure/function; This variant is associated with the following publications: (PMID: 25611685, 27532257, 17095604, 12707239)

Laboratory for Molecular Medicine, Mass General Brigham Personalized Medicine
Classification: Likely pathogenic for Hypertrophic cardiomyopathy. Last evaluated: 2018-10-08. Review status: criteria provided, single submitter. Criteria: LMM Criteria. Collection method: clinical testing. Allele origin: germline. Inheritance: Autosomal dominant inheritance. Observed: 1 variant allele. Not counted in ClinVar's aggregate classification.
Comment: The p.Lys884del variant in MYH7 has been identified by other laboratories in at least 4 individuals with HCM, one of whom also had a variant in the TNNT2 gene ( GeneDx, Invitae, and Ambry personal communication; ClinVar Variation ID 36637). It was absent from large population studies. This variant is an in frame deletio n of a single amino acid at position 884. The variant falls within the head doma in of MYH7, where there is a statistically significant clustering of pathogenic variation. Furthermore, in-frame deletions of nearby amino acid residues (p.Glu8 75del, p.Lys876del, p.Glu883del) have been identified in individuals with cardio myopathy (Richard 2003, Alfares 2015, Walsh 2017), supporting that deletions in this region may generally not be tolerated. In summary, although additional stud ies are required to fully establish its clinical significance, this variant meet s criteria to be classified as likely pathogenic for autosomal dominant HCM. AC MG/AMP criteria applied: PM1, PM2, PM4, PS4_Supporting.

Women's Health and Genetics/Laboratory Corporation of America, LabCorp
Classification: Uncertain significance. Last evaluated: 2018-03-01. Review status: criteria provided, single submitter. Criteria: LabCorp Variant Classification Summary - May 2015. Collection method: clinical testing. Allele origin: germline. Not counted in ClinVar's aggregate classification.
Comment: Variant summary: MYH7 c.2652_2654delGAA (p.Lys884del) results in an in-frame deletion that is predicted to remove one amino acid from the encoded protein. The variant was absent in 121360 control chromosomes. The available data on variant occurrences in the general population are insufficient to allow any conclusion about variant significance. To our knowledge, no occurrence of c.2652_2654delGAA in individuals affected with Hypertrophic or Dilated Cardiomyopathy has been reported. Furthermore, no experimental evidence demonstrating its impact on protein function have been reported. Two clinical diagnostic laboratories have submitted clinical-significance assessments for this variant to ClinVar after 2014 without evidence for independent evaluation. All laboratories classified the variant as uncertain significance. Based on the evidence outlined above, the variant was classified as uncertain significance.

Literature cited by the submitters: PubMed 36162733 (cited by Labcorp Genetics (formerly Invitae), Labcorp and Ambry Genetics); PubMed 37652022 (cited by Labcorp Genetics (formerly Invitae), Labcorp); PubMed 33495597 (cited by Ambry Genetics); PubMed 35653365 (cited by Ambry Genetics); PubMed 27532257 (cited by Laboratory for Molecular Medicine, Mass General Brigham Personalized Medicine); PubMed 25611685 (cited by Laboratory for Molecular Medicine, Mass General Brigham Personalized Medicine); PubMed 12707239 (cited by Laboratory for Molecular Medicine, Mass General Brigham Personalized Medicine).

NM_000257.4(MYH7):c.2649GAA[1] (p.Lys884del)

Genes: MYH7 (myosin heavy chain 7; minus strand), LOC126861898 (BRD4-independent group 4 enhancer GRCh37_chr14:23893609-23894808; plus strand). Cytogenetic location: 14q11.2.
Variant type: Microsatellite.
Coding change: c.2649GAA[1] on transcript NM_000257.4 (MANE Select); one copy of the 3-base unit GAA starting at c.2649; the reference has two copies in a row; one copy, 3 bases deleted; also written c.2652_2654del.
Protein change: p.Lys884del; deletes lysine 884.
Molecular consequence: inframe deletion.
Genome position (GRCh38, 1-based): chr14:23,424,794-23,424,796, TTC deleted on the plus strand (GAA on the coding strand, the reverse complement: MYH7 is on the minus strand); deleting any 3 consecutive bases within chr14:23,424,794-23,424,800 gives the same sequence; the position shown is the placement nearest the transcript's 3' end. VCF-style (leftmost placement, unchanged base first): chr14-23424793-ATTC-A. GRCh37 (hg19) VCF-style: chr14-23894002-ATTC-A.
Other names: NM_000257.4(MYH7):c.2649_2651GAA[1]; c.2652_2654delGAA (NM_000257.2, NM_000257.4); c.2652_2654del (NM_000257.4); short protein forms K884del.
Identifiers: ClinVar variation 36637 (VCV000036637.23), dbSNP rs193922387, ClinGen allele CA012790.
Genomic context (GRCh38, chr14:23,424,793, plus strand): 5'-AGGGTGGAAGAGCCAACAGTAGCCCAGGAGCCTCACCGCCTGCACTTGGAGCTGCAGGTC[ATTC>A]TTCTCCTGCAGCAGGGACACCATCTTCTCCTCCAGCTCCTTGCGGCGAGCCTCGGACTTC-3'